The following is an entry in ClinVar:

ClinVar aggregate classification (germline): Uncertain significance. Review status: criteria provided, multiple submitters, no conflicts (2 of 4 stars). 2 submissions from 2 submitters: Uncertain significance (2). Last evaluated 2025-08-24.

Conditions:
Inborn genetic diseases. Identifiers: MedGen C0950123, MeSH D030342.
Spondyloepimetaphyseal dysplasia, PAPSS2 type. Also called: BRACHYOLMIA TYPE 4 WITH MILD EPIPHYSEAL AND METAPHYSEAL CHANGES; SPONDYLODYSPLASIA AND PREMATURE PUBARCHE; SEMD, PAKISTANI TYPE. Identifiers: Orphanet 93282, MedGen C2748516, MONDO:0019666, OMIM 612847.

Allele frequency attached by ClinVar (database versions not stated): ExAC 0.00002; gnomAD 0.00005; gnomAD exomes 0.00005; TOPMed 0.00006; ESP Exome Variant Server 0.00008.
gnomAD v4.1: 80 of 1,614,012 alleles (0.005%); highest among the groups gnomAD compares: Non-Finnish European, 0.0058%; no homozygotes.

Submissions (2):

Ambry Genetics
Classification: Uncertain significance for Inborn genetic diseases. Last evaluated: 2025-08-24. Review status: criteria provided, single submitter. Criteria: Ambry Variant Classification Scheme 2023. Collection method: clinical testing. Allele origin: germline.

Labcorp Genetics (formerly Invitae), Labcorp
Classification: Uncertain significance for Spondyloepimetaphyseal dysplasia, PAPSS2 type. Last evaluated: 2022-07-11. Review status: criteria provided, single submitter. Criteria: Invitae Variant Classification Sherloc (09022015). Collection method: clinical testing. Allele origin: germline.
Comment: This variant has not been reported in the literature in individuals affected with PAPSS2-related conditions. In summary, the available evidence is currently insufficient to determine the role of this variant in disease. Therefore, it has been classified as a Variant of Uncertain Significance. Algorithms developed to predict the effect of missense changes on protein structure and function are either unavailable or do not agree on the potential impact of this missense change (SIFT: "Deleterious"; PolyPhen-2: "Probably Damaging"; Align-GVGD: "Class C0"). This variant is present in population databases (rs373228712, gnomAD 0.006%). This sequence change replaces glycine, which is neutral and non-polar, with serine, which is neutral and polar, at codon 451 of the PAPSS2 protein (p.Gly451Ser).

NM_001015880.2(PAPSS2):c.1351G>A (p.Gly451Ser)

Gene: PAPSS2 (3'-phosphoadenosine 5'-phosphosulfate synthase 2; plus strand). Cytogenetic location: 10q23.31.
Variant type: single nucleotide variant.
Coding change: c.1351G>A on transcript NM_001015880.2 (MANE Select); coding-DNA position 1351, G replaced by A.
Protein change: p.Gly451Ser; replaces glycine 451 with serine.
Molecular consequence: missense variant.
Genome position (GRCh38, 1-based): chr10:87,743,501, G>A. VCF-style: chr10-87743501-G-A. GRCh37 (hg19) VCF-style: chr10-89503258-G-A.
Other names: c.1336G>A, p.Gly446Ser (NM_004670.4); c.1336G>A (NM_004670.3); short protein forms G451S, G446S.
Identifiers: ClinVar variation 2066833 (VCV002066833.3), dbSNP rs373228712, ClinGen allele CA5589729.